The following is an entry in ClinVar:

ClinVar aggregate classification (germline): Likely benign (0 of 4 stars; one submission).

Conditions:
WDPCP-related disorder. Also called: WDPCP-related condition.

Submission:

PreventionGenetics, part of Exact Sciences
Classification: Likely benign for WDPCP-related condition. Last evaluated: 2022-02-08. Review status: no assertion criteria provided. Collection method: clinical testing. Allele origin: germline.
Comment: This variant is classified as likely benign based on ACMG/AMP sequence variant interpretation guidelines (Richards et al. 2015 PMID: 25741868, with internal and published modifications).

NM_015910.7(WDPCP):c.1686T>C (p.Thr562=)

Gene: WDPCP (WD repeat containing planar cell polarity effector; minus strand). Cytogenetic location: 2p15.
Variant type: single nucleotide variant.
Coding change: c.1686T>C on transcript NM_015910.7 (MANE Select); coding-DNA position 1686, T replaced by C.
Protein change: p.Thr562=; no amino-acid change (threonine 562 retained).
Molecular consequence: synonymous variant. On other transcripts: non-coding transcript variant (3).
Genome position (GRCh38, 1-based): chr2:63,378,448, A>G on the plus strand (T>C on the coding strand, the complement: WDPCP is on the minus strand). VCF-style: chr2-63378448-A-G. GRCh37 (hg19) VCF-style: chr2-63605583-A-G.
Other names: c.1209T>C, p.Thr403= (NM_001042692.3); c.1614T>C, p.Thr538= (NM_001354044.2); c.1686T>C, p.Thr562= (NM_001354045.2).
Identifiers: ClinVar variation 3355276 (VCV003355276.1).